The following is an entry in ClinVar:

ClinVar aggregate classification (germline): Uncertain significance (1 of 4 stars; one submission).

Conditions:
Hereditary cancer-predisposing syndrome. Also called: Hereditary Cancer Syndrome; Hereditary neoplastic syndrome; Neoplastic Syndromes, Hereditary; Tumor predisposition. Identifiers: Orphanet 140162, MedGen C0027672, MeSH D009386, MONDO:0015356.

Submission:

Ambry Genetics
Classification: Uncertain significance for Hereditary cancer-predisposing syndrome. Last evaluated: 2022-04-19. Review status: criteria provided, single submitter. Criteria: Ambry Variant Classification Scheme 2023. Collection method: clinical testing. Allele origin: germline.
Comment: The p.I204V variant (also known as c.610A>G), located in coding exon 4 of the NTHL1 gene, results from an A to G substitution at nucleotide position 610. The isoleucine at codon 204 is replaced by valine, an amino acid with highly similar properties. This amino acid position is conserved. In addition, this alteration is predicted to be tolerated by in silico analysis. Since supporting evidence is limited at this time, the clinical significance of this alteration remains unclear.

NM_002528.7(NTHL1):c.586A>G (p.Ile196Val)

Gene: NTHL1 (nth like DNA glycosylase 1; minus strand). Cytogenetic location: 16p13.3.
Variant type: single nucleotide variant.
Coding change: c.586A>G on transcript NM_002528.7 (MANE Select); coding-DNA position 586, A replaced by G.
Protein change: p.Ile196Val; replaces isoleucine 196 with valine.
Molecular consequence: missense variant.
Genome position (GRCh38, 1-based): chr16:2,043,666, T>C on the plus strand (A>G on the coding strand, the complement: NTHL1 is on the minus strand). VCF-style: chr16-2043666-T-C. GRCh37 (hg19) VCF-style: chr16-2093667-T-C.
Other names: c.415A>G, p.Ile139Val (NM_001318193.2); c.256A>G, p.Ile86Val (NM_001318194.2); short protein forms I139V, I86V, I196V.
Identifiers: ClinVar variation 1751657 (VCV001751657.2), dbSNP rs2150941339, ClinGen allele CA394291854.